The following is an entry in ClinVar:

ClinVar aggregate classification (germline): Likely benign (1 of 4 stars; one submission).

gnomAD v4.1: 14 of 1,613,088 alleles (0.00087%); highest among the groups gnomAD compares: East Asian, 0.029%; no homozygotes.

Submission:

Mayo Clinic Laboratories, Mayo Clinic
Classification: Likely benign. Last evaluated: 2025-12-07. Review status: criteria provided, single submitter. Criteria: ACMG Guidelines, 2015. Collection method: clinical testing. Allele origin: germline. Observed: 1 variant allele.
Comment: BP4, BP7

NM_020442.6(VARS2):c.2271C>T (p.Leu757=)

Genes: VARS2 (valyl-tRNA synthetase 2, mitochondrial; plus strand), LOC126859646 (MED14-independent group 3 enhancer GRCh37_chr6:30889690-30890889; plus strand). Cytogenetic location: 6p21.33.
Variant type: single nucleotide variant.
Coding change: c.2271C>T on transcript NM_020442.6 (MANE Select); coding-DNA position 2271, C replaced by T.
Protein change: p.Leu757=; no amino-acid change (leucine 757 retained).
Molecular consequence: synonymous variant.
Genome position (GRCh38, 1-based): chr6:30,923,189, C>T. VCF-style: chr6-30923189-C-T. GRCh37 (hg19) VCF-style: chr6-30890966-C-T.
Other names: p.Leu787=; c.1851C>T, p.Leu617= (NM_001167733.3); c.2361C>T, p.Leu787= (NM_001167734.2).
Identifiers: ClinVar variation 4684913 (VCV004684913.1).